The following is an entry in ClinVar:

NC_000006.11:g.(?_39874133)_(39902156_?)del

Gene: MOCS1 (molybdenum cofactor synthesis 1; minus strand). Cytogenetic location: 6p21.2.
Variant type: Deletion.
Identifiers: ClinVar variation 2424131 (VCV002424131.4).

ClinVar aggregate classification (germline): Pathogenic (1 of 4 stars; one submission).

Conditions:
Sulfite oxidase deficiency due to molybdenum cofactor deficiency type A. Also called: Molybdenum cofactor deficiency, complementation group A; Molybdenum Cofactor Deficiency A. Identifiers: Orphanet 308386, Orphanet 833, MedGen C1854988, MONDO:0009643, OMIM 252150.

Submission:

Labcorp Genetics (formerly Invitae), Labcorp
Classification: Pathogenic for Sulfite oxidase deficiency due to molybdenum cofactor deficiency type A. Last evaluated: 2022-08-29. Review status: criteria provided, single submitter. Criteria: Invitae Variant Classification Sherloc (09022015). Collection method: clinical testing. Allele origin: germline.
Comment: This variant has not been reported in the literature in individuals affected with MOCS1-related conditions. A gross deletion of the genomic region encompassing the full coding sequence of the MOCS1 gene has been identified. Loss-of-function variants in MOCS1 are known to be pathogenic (PMID: 12754701, 16021469). The boundaries of this event are unknown as they extend beyond the assayed region for this gene and therefore may encompass additional genes. For these reasons, this variant has been classified as Pathogenic.

Literature cited by the submitters: PubMed 12754701; PubMed 16021469.